The following is an entry in ClinVar:

ClinVar aggregate classification (germline): Uncertain significance. Review status: criteria provided, multiple submitters, no conflicts (2 of 4 stars). 3 submissions from 3 submitters: Uncertain significance (3). Last evaluated 2025-09-04.

Conditions:
Dilated cardiomyopathy 1G (CMD1G). Identifiers: Orphanet 154, MedGen C1858763, MONDO:0011400, OMIM 604145.
Autosomal recessive limb-girdle muscular dystrophy type 2J (LGMDR10). Also called: MUSCULAR DYSTROPHY, LIMB-GIRDLE, AUTOSOMAL RECESSIVE 10; Limb-girdle muscular dystrophy, type 2J. Identifiers: Orphanet 140922, MedGen C1837342, MONDO:0012127, OMIM 608807.

Allele frequency attached by ClinVar (database versions not stated): gnomAD exomes below 0.00001; ExAC 0.00002; gnomAD 0.00002; TOPMed 0.00002; ESP Exome Variant Server 0.00008.
gnomAD v4.1: 5 of 1,613,770 alleles (0.00031%); highest among the groups gnomAD compares: African/African-American, 0.0067%; no homozygotes.

Submissions (3):

Labcorp Genetics (formerly Invitae), Labcorp
Classification: Uncertain significance for Dilated cardiomyopathy 1G; Autosomal recessive limb-girdle muscular dystrophy type 2J. Last evaluated: 2025-09-04. Review status: criteria provided, single submitter. Criteria: Invitae Variant Classification Sherloc (09022015). Collection method: clinical testing. Allele origin: germline.
Comment: This sequence change replaces valine, which is neutral and non-polar, with methionine, which is neutral and non-polar, at codon 31782 of the TTN protein (p.Val31782Met). This variant is present in population databases (rs377076423, gnomAD 0.01%). This variant has not been reported in the literature in individuals affected with TTN-related conditions. ClinVar contains an entry for this variant (Variation ID: 203012). Experimental studies and prediction algorithms are not available or were not evaluated, and the functional significance of this variant is currently unknown. This variant is located in the A band of TTN (PMID: 25589632). Variants in this region may be relevant for cardiac or neuromuscular disorders (PMID: 25589632, 23975875). In summary, the available evidence is currently insufficient to determine the role of this variant in disease. Therefore, it has been classified as a Variant of Uncertain Significance.

Revvity Omics, Revvity
Classification: Uncertain significance. Last evaluated: 2025-03-25. Review status: criteria provided, single submitter. Criteria: ACMG Guidelines, 2015. Collection method: clinical testing. Allele origin: germline.

GeneDx
Classification: Uncertain significance. Last evaluated: 2014-11-03. Review status: criteria provided, single submitter. Criteria: GeneDx Variant Classification (06012015). Collection method: clinical testing. Allele origin: germline. Affected: yes.
Comment: Missense variants in the TTN gene are considered 'unclassified' if they are not previously reported in the literature and do not have >1% frequency in the population to be considered a polymorphism. Research indicates that truncating mutations in the TTN gene are expected to account for approximately 25% of familial and 18% of sporadic idiopathic DCM; however, truncating variants in the TTN gene have been reported in approximately 3% of reported control alleles. There has been little investigation into non-truncating variants. (Herman D et al. Truncations of titin causing dilated cardiomyopathy. N Eng J Med 366:619-628, 2012) The variant is found in CARDIOMYOPATHY panel(s).

Literature cited by the submitters: PubMed 25589632 (cited by Labcorp Genetics (formerly Invitae), Labcorp); PubMed 23975875 (cited by Labcorp Genetics (formerly Invitae), Labcorp).

NM_001267550.2(TTN):c.95344G>A (p.Val31782Met)

Genes: TTN (titin; minus strand), TTN-AS1 (TTN antisense RNA 1; plus strand). Cytogenetic location: 2q31.2.
Variant type: single nucleotide variant.
Coding change: c.95344G>A on transcript NM_001267550.2 (MANE Select); coding-DNA position 95344, G replaced by A.
Protein change: p.Val31782Met; replaces valine 31782 with methionine.
Molecular consequence: missense variant.
Genome position (GRCh38, 1-based): chr2:178,545,892, C>T on the plus strand (G>A on the coding strand, the complement: TTN is on the minus strand). VCF-style: chr2-178545892-C-T. GRCh37 (hg19) VCF-style: chr2-179410619-C-T.
Other names: p.V30141M:GTG>ATG; c.90421G>A, p.Val30141Met (NM_001256850.1); c.68149G>A, p.Val22717Met (NM_003319.4); c.87640G>A, p.Val29214Met (NM_133378.4); c.68524G>A, p.Val22842Met (NM_133432.3); c.68725G>A, p.Val22909Met (NM_133437.4); short protein forms V30141M, V31782M, V22842M, V22909M, V22717M, V29214M.
Identifiers: ClinVar variation 203012 (VCV000203012.8), dbSNP rs377076423, ClinGen allele CA310974.